The following is an entry in ClinVar:

NM_198253.3(TERT):c.2307C>T (p.Leu769=)

Gene: TERT (telomerase reverse transcriptase; minus strand). Cytogenetic location: 5p15.33.
Variant type: single nucleotide variant.
Coding change: c.2307C>T on transcript NM_198253.3 (MANE Select); coding-DNA position 2307, C replaced by T.
Protein change: p.Leu769=; no amino-acid change (leucine 769 retained).
Molecular consequence: synonymous variant.
Genome position (GRCh38, 1-based): chr5:1,272,260, G>A on the plus strand (C>T on the coding strand, the complement: TERT is on the minus strand). VCF-style: chr5-1272260-G-A. GRCh37 (hg19) VCF-style: chr5-1272375-G-A.
Other names: c.2307C>T, p.Leu769= (NM_001193376.3).
Identifiers: ClinVar variation 416291 (VCV000416291.22), dbSNP rs117662357, ClinGen allele CA3184572.

ClinVar aggregate classification (germline): Benign/Likely benign. Review status: criteria provided, multiple submitters, no conflicts (2 of 4 stars). 5 submissions from 5 submitters: Benign (1); Likely benign (4). Last evaluated 2026-01-12.

Conditions:
Idiopathic Pulmonary Fibrosis. Also called: Idiopathic fibrosing alveolitis, chronic form; idiopathic fibrosing alveolitis. Identifiers: Orphanet 2032, MedGen C1800706, MeSH D054990, MONDO:0800504.
Dyskeratosis congenita, autosomal dominant 2. Identifiers: MedGen C3151443, MONDO:0013521, OMIM 613989.
Melanoma, cutaneous malignant, susceptibility to, 9. Also called: Cutaneous malignant melanoma 9. Identifiers: Orphanet 618, MedGen C3554574, MONDO:0014056, OMIM 615134.
Dyskeratosis congenita. Identifiers: Orphanet 1775, MedGen C0265965, MONDO:0015780.

Allele frequency attached by ClinVar (database versions not stated): gnomAD exomes below 0.00001 and 0.00001; gnomAD 0.00001; ExAC 0.00002; TOPMed 0.00002; 1000 Genomes Project 30x 0.00016; 1000 Genomes Project 0.00020.
gnomAD v4.1: 19 of 1,612,370 alleles (0.0012%); highest among the groups gnomAD compares: East Asian, 0.0089%; no homozygotes.

Submissions (5):

Labcorp Genetics (formerly Invitae), Labcorp
Classification: Likely benign for Dyskeratosis congenita, autosomal dominant 2; Idiopathic Pulmonary Fibrosis. Last evaluated: 2026-01-12. Review status: criteria provided, single submitter. Criteria: Invitae Variant Classification Sherloc (09022015). Collection method: clinical testing. Allele origin: germline.

CeGaT Center for Human Genetics Tuebingen
Classification: Likely benign. Last evaluated: 2025-11-01. Review status: criteria provided, single submitter. Criteria: CeGaT Center For Human Genetics Tuebingen Variant Classification Criteria Version 2. Collection method: clinical testing. Allele origin: germline. Affected: yes. Observed: 1 variant allele.
Comment: TERT: BP4, BP7

KCCC/NGS Laboratory, Kuwait Cancer Control Center
Classification: Benign for Melanoma, cutaneous malignant, susceptibility to, 9. Last evaluated: 2025-02-01. Review status: criteria provided, single submitter. Criteria: ACMG Guidelines, 2015. Collection method: clinical testing. Allele origin: germline. Affected: no.

Blueprint Genetics
Classification: Likely benign. Last evaluated: 2024-10-28. Review status: criteria provided, single submitter. Criteria: ACMG Guidelines, 2015. Collection method: clinical testing. Allele origin: germline.

Ambry Genetics
Classification: Likely benign for Dyskeratosis congenita. Last evaluated: 2022-02-13. Review status: criteria provided, single submitter. Criteria: Ambry Variant Classification Scheme 2023. Collection method: clinical testing. Allele origin: germline.